The following is an entry in ClinVar:

ClinVar aggregate classification (germline): Uncertain significance. Review status: criteria provided, multiple submitters, no conflicts (2 of 4 stars). 2 submissions from 2 submitters: Uncertain significance (2). Last evaluated 2024-11-11.

Allele frequency attached by ClinVar (database versions not stated): gnomAD exomes 0.00004; ExAC 0.00005; TOPMed 0.00008; gnomAD 0.00010 and 0.00011.
gnomAD v4.1: 203 of 1,605,724 alleles (0.013%); highest among the groups gnomAD compares: Non-Finnish European, 0.016%; no homozygotes.

Submissions (2):

Labcorp Genetics (formerly Invitae), Labcorp
Classification: Uncertain significance. Last evaluated: 2024-11-11. Review status: criteria provided, single submitter. Criteria: Invitae Variant Classification Sherloc (09022015). Collection method: clinical testing. Allele origin: germline.
Comment: This sequence change replaces aspartic acid, which is acidic and polar, with asparagine, which is neutral and polar, at codon 160 of the SAMD11 protein (p.Asp160Asn). This variant is present in population databases (rs754562511, gnomAD 0.009%). This variant has not been reported in the literature in individuals affected with SAMD11-related conditions. ClinVar contains an entry for this variant (Variation ID: 1348410). An algorithm developed to predict the effect of missense changes on protein structure and function (PolyPhen-2) suggests that this variant¬†is likely to be tolerated. In summary, the available evidence is currently insufficient to determine the role of this variant in disease. Therefore, it has been classified as a Variant of Uncertain Significance.

Ambry Genetics
Classification: Uncertain significance. Last evaluated: 2024-07-02. Review status: criteria provided, single submitter. Criteria: Ambry Variant Classification Scheme 2023. Collection method: clinical testing. Allele origin: germline.

NM_001385641.1(SAMD11):c.1015G>A (p.Asp339Asn)

Gene: SAMD11 (sterile alpha motif domain containing 11; plus strand). Cytogenetic location: 1p36.33.
Variant type: single nucleotide variant.
Coding change: c.1015G>A on transcript NM_001385641.1 (MANE Select); coding-DNA position 1015, G replaced by A.
Protein change: p.Asp339Asn; replaces aspartic acid 339 with asparagine.
Molecular consequence: missense variant.
Genome position (GRCh38, 1-based): chr1:939,087, G>A. VCF-style: chr1-939087-G-A. GRCh37 (hg19) VCF-style: chr1-874467-G-A.
Other names: c.1015G>A, p.Asp339Asn (NM_001385640.1); c.478G>A, p.Asp160Asn (NM_152486.4); c.478G>A (NM_152486.2); short protein forms D160N, D339N.
Identifiers: ClinVar variation 1348410 (VCV001348410.5), dbSNP rs754562511, ClinGen allele CA502642.